The following is an entry in ClinVar:

NM_000321.3(RB1):c.1722A>C (p.Lys574Asn)

Gene: RB1 (RB transcriptional corepressor 1; plus strand). Cytogenetic location: 13q14.2.
Variant type: single nucleotide variant.
Coding change: c.1722A>C on transcript NM_000321.3 (MANE Select); coding-DNA position 1722, A replaced by C.
Protein change: p.Lys574Asn; replaces lysine 574 with asparagine.
Molecular consequence: missense variant.
Genome position (GRCh38, 1-based): chr13:48,453,019, A>C. VCF-style: chr13-48453019-A-C. GRCh37 (hg19) VCF-style: chr13-49027155-A-C.
Other names: short protein forms K574N.
Identifiers: ClinVar variation 819911 (VCV000819911.4), dbSNP rs1171421079, ClinGen allele CA388165479.
Genomic context (GRCh38, chr13:48,453,019, plus strand): 5'-TAATGTGGTTTTAATTTCATCATGTTTCATATAGGATTCACCTTTATTTGATCTTATTAA[A>C]CAATCAAAGGACCGAGAAGGACCAACTGATCACCTTGAATCTGCTTGTCCTCTTAATCTT-3'
Protein context (NP_000312.2, residues 564-584): LSDSPLFDLI[Lys574Asn]QSKDREGPTD

ClinVar aggregate classification (germline): Uncertain significance (1 of 4 stars; one submission).

Conditions:
Hereditary cancer-predisposing syndrome. Also called: Neoplastic Syndromes, Hereditary; Tumor predisposition; Hereditary Cancer Syndrome; Hereditary neoplastic syndrome. Identifiers: Orphanet 140162, MedGen C0027672, MeSH D009386, MONDO:0015356.

Submission:

Ambry Genetics
Classification: Uncertain significance for Hereditary cancer-predisposing syndrome. Last evaluated: 2019-01-07. Review status: criteria provided, single submitter. Criteria: Ambry Variant Classification Scheme 2023. Collection method: clinical testing. Allele origin: germline.
Comment: The p.K574N variant (also known as c.1722A>C), located in coding exon 18 of the RB1 gene, results from an A to C substitution at nucleotide position 1722. The lysine at codon 574 is replaced by asparagine, an amino acid with similar properties. This amino acid position is highly conserved in available vertebrate species. In addition, this alteration is predicted to be tolerated by in silico analysis. Since supporting evidence is limited at this time, the clinical significance of this alteration remains unclear.